The following is an entry in ClinVar:

NM_000051.4(ATM):c.2914C>T (p.Pro972Ser)

Gene: ATM (ATM serine/threonine kinase; plus strand). Cytogenetic location: 11q22.3.
Variant type: single nucleotide variant.
Coding change: c.2914C>T on transcript NM_000051.4 (MANE Select); coding-DNA position 2914, C replaced by T.
Protein change: p.Pro972Ser; replaces proline 972 with serine.
Molecular consequence: missense variant.
Genome position (GRCh38, 1-based): chr11:108,271,139, C>T. VCF-style: chr11-108271139-C-T. GRCh37 (hg19) VCF-style: chr11-108141866-C-T.
Other names: c.2914C>T, p.Pro972Ser (NM_001351834.2); c.2914C>T (NM_000051.3); short protein forms P972S.
Identifiers: ClinVar variation 1437719 (VCV001437719.9), dbSNP rs2135548838, ClinGen allele CA382546990.

ClinVar aggregate classification (germline): Uncertain significance. Review status: criteria provided, multiple submitters, no conflicts (2 of 4 stars). 2 submissions from 2 submitters: Uncertain significance (2). Last evaluated 2025-12-03.

Conditions:
Hereditary cancer-predisposing syndrome. Also called: Neoplastic Syndromes, Hereditary; Hereditary Cancer Syndrome; Tumor predisposition; Hereditary neoplastic syndrome. Identifiers: Orphanet 140162, MedGen C0027672, MeSH D009386, MONDO:0015356.
Ataxia-telangiectasia syndrome (AT). Also called: ATAXIA-TELANGIECTASIA, FRESNO VARIANT; ATAXIA-TELANGIECTASIA, COMPLEMENTATION GROUP A; Ataxia-telangiectasia, complementation group D; AT, COMPLEMENTATION GROUP C; Ataxia telangiectasia (A-T); LOUIS-BAR SYNDROME. Identifiers: Orphanet 100, MedGen C0004135, MONDO:0008840, OMIM 208900.

Allele frequency attached by ClinVar (database versions not stated): gnomAD exomes below 0.00001.
gnomAD v4.1: 1 of 1,613,876 alleles (0.000062%); highest among the groups gnomAD compares: Non-Finnish European, 0.000085%; no homozygotes.

Submissions (2):

Labcorp Genetics (formerly Invitae), Labcorp
Classification: Uncertain significance for Ataxia-telangiectasia syndrome. Last evaluated: 2025-12-03. Review status: criteria provided, single submitter. Criteria: Invitae Variant Classification Sherloc (09022015). Collection method: clinical testing. Allele origin: germline.
Comment: This sequence change replaces proline, which is neutral and non-polar, with serine, which is neutral and polar, at codon 972 of the ATM protein (p.Pro972Ser). This variant is not present in population databases (gnomAD no frequency). This variant has not been reported in the literature in individuals affected with ATM-related conditions. ClinVar contains an entry for this variant (Variation ID: 1437719). Invitae Evidence Modeling of protein sequence and biophysical properties (such as structural, functional, and spatial information, amino acid conservation, physicochemical variation, residue mobility, and thermodynamic stability) indicates that this missense variant is not expected to disrupt ATM protein function with a negative predictive value of 95%. In summary, the available evidence is currently insufficient to determine the role of this variant in disease. Therefore, it has been classified as a Variant of Uncertain Significance.

Ambry Genetics
Classification: Uncertain significance for Hereditary cancer-predisposing syndrome. Last evaluated: 2025-07-29. Review status: criteria provided, single submitter. Criteria: Ambry Variant Classification Scheme 2023. Collection method: clinical testing. Allele origin: germline.
Comment: The p.P972S variant (also known as c.2914C>T), located in coding exon 18 of the ATM gene, results from a C to T substitution at nucleotide position 2914. The proline at codon 972 is replaced by serine, an amino acid with similar properties. This amino acid position is highly conserved in available vertebrate species. In addition, the in silico prediction for this alteration is inconclusive. Based on the available evidence, the clinical significance of this variant remains unclear.